The following is an entry in ClinVar:

ClinVar aggregate classification (germline): Likely benign (1 of 4 stars; one submission).

gnomAD v4.1: 5 of 1,612,480 alleles (0.00031%); highest among the groups gnomAD compares: Non-Finnish European, 0.00034%; no homozygotes.

Submission:

Athena Diagnostics
Classification: Likely benign. Last evaluated: 2025-04-14. Review status: criteria provided, single submitter. Criteria: Athena Diagnostics Criteria. Collection method: clinical testing. Allele origin: unknown.
Comment: Computational tools yielded predictions that this variant is unlikely to have an effect on normal RNA splicing. This nucleotide position exhibits low evolutionary conservation. This variant has been seen where an alternate explanation for disease was also identified.

NM_001961.4(EEF2):c.438C>G (p.Ala146=)

Gene: EEF2 (eukaryotic translation elongation factor 2; minus strand). Cytogenetic location: 19p13.3.
Variant type: single nucleotide variant.
Coding change: c.438C>G on transcript NM_001961.4 (MANE Select); coding-DNA position 438, C replaced by G.
Protein change: p.Ala146=; no amino-acid change (alanine 146 retained).
Molecular consequence: synonymous variant.
Genome position (GRCh38, 1-based): chr19:3,982,981, G>C on the plus strand (C>G on the coding strand, the complement: EEF2 is on the minus strand). VCF-style: chr19-3982981-G-C. GRCh37 (hg19) VCF-style: chr19-3982979-G-C.
Identifiers: ClinVar variation 4682421 (VCV004682421.1).